The following is an entry in ClinVar:

ClinVar aggregate classification (germline): Uncertain significance. Review status: criteria provided, multiple submitters, no conflicts (2 of 4 stars). 2 submissions from 2 submitters: Uncertain significance (2). Last evaluated 2026-03-12.

Conditions:
Cardiovascular phenotype. Identifiers: MedGen CN230736.
Ehlers-Danlos syndrome, classic type, 1 (EDSCL1). Also called: EHLERS-DANLOS SYNDROME, GRAVIS TYPE; EHLERS-DANLOS SYNDROME, SEVERE CLASSIC TYPE; Ehlers-Danlos syndrome, type 1; Ehlers-Danlos Syndrome, Classic Type, COL5A1-Related; EDS I. Identifiers: MedGen C0268335, MONDO:0019567, OMIM 130000.
Osteogenesis imperfecta type I (OI1). Also called: OI, TYPE I; OSTEOGENESIS IMPERFECTA TARDA; OSTEOGENESIS IMPERFECTA WITH BLUE SCLERAE; Osteogenesis imperfecta type 1; Lobstein's Disease; Lobstein disease. Identifiers: Orphanet 216796, Orphanet 666, MedGen C0023931, MONDO:0008146, OMIM 166200. Disease mechanism: loss of function.

Allele frequency attached by ClinVar (database versions not stated): gnomAD 0.00003; TOPMed 0.00002.
gnomAD v4.1: 6 of 1,586,910 alleles (0.00038%); highest among the groups gnomAD compares: African/African-American, 0.0067%; no homozygotes.

Submissions (2):

Ambry Genetics
Classification: Uncertain significance for Cardiovascular phenotype. Last evaluated: 2026-03-12. Review status: criteria provided, single submitter. Criteria: Ambry Variant Classification Scheme 2023. Collection method: clinical testing. Allele origin: germline.
Comment: The p.P602S variant (also known as c.1804C>T), located in coding exon 31 of the COL1A2 gene, results from a C to T substitution at nucleotide position 1804. The proline at codon 602 is replaced by serine, an amino acid with similar properties. This amino acid position is conserved. In addition, the in silico prediction for this alteration is inconclusive. Based on the available evidence, the clinical significance of this variant remains unclear.

Labcorp Genetics (formerly Invitae), Labcorp
Classification: Uncertain significance for Osteogenesis imperfecta type I; Ehlers-Danlos syndrome, classic type, 1. Last evaluated: 2025-09-03. Review status: criteria provided, single submitter. Criteria: Invitae Variant Classification Sherloc (09022015). Collection method: clinical testing. Allele origin: germline.
Comment: This sequence change replaces proline, which is neutral and non-polar, with serine, which is neutral and polar, at codon 602 of the COL1A2 protein (p.Pro602Ser). This variant is present in population databases (no rsID available, gnomAD 0.01%). This variant has not been reported in the literature in individuals affected with COL1A2-related conditions. ClinVar contains an entry for this variant (Variation ID: 1496347). Invitae Evidence Modeling of protein sequence and biophysical properties (such as structural, functional, and spatial information, amino acid conservation, physicochemical variation, residue mobility, and thermodynamic stability) indicates that this missense variant is not expected to disrupt COL1A2 protein function with a negative predictive value of 95%. In summary, the available evidence is currently insufficient to determine the role of this variant in disease. Therefore, it has been classified as a Variant of Uncertain Significance.

NM_000089.4(COL1A2):c.1804C>T (p.Pro602Ser)

Gene: COL1A2 (collagen type I alpha 2 chain; plus strand). Cytogenetic location: 7q21.3.
Variant type: single nucleotide variant.
Coding change: c.1804C>T on transcript NM_000089.4 (MANE Select); coding-DNA position 1804, C replaced by T.
Protein change: p.Pro602Ser; replaces proline 602 with serine.
Molecular consequence: missense variant.
Genome position (GRCh38, 1-based): chr7:94,416,444, C>T. VCF-style: chr7-94416444-C-T. GRCh37 (hg19) VCF-style: chr7-94045756-C-T.
Other names: c.1804C>T (NM_000089.3); short protein forms P602S.
Identifiers: ClinVar variation 1496347 (VCV001496347.7), dbSNP rs906800567, ClinGen allele CA162929083.